The following is an entry in ClinVar:

NM_001375405.1(CEP120):c.121A>G (p.Thr41Ala)

Gene: CEP120 (centrosomal protein 120; minus strand). Cytogenetic location: 5q23.2.
Variant type: single nucleotide variant.
Coding change: c.121A>G on transcript NM_001375405.1 (MANE Select); coding-DNA position 121, A replaced by G.
Protein change: p.Thr41Ala; replaces threonine 41 with alanine.
Molecular consequence: missense variant. On other transcripts: 5 prime UTR variant (2), non-coding transcript variant (1).
Genome position (GRCh38, 1-based): chr5:123,418,444, T>C on the plus strand (A>G on the coding strand, the complement: CEP120 is on the minus strand). VCF-style: chr5-123418444-T-C. GRCh37 (hg19) VCF-style: chr5-122754138-T-C.
Other names: c.43A>G, p.Thr15Ala (NM_001166226.2); c.121A>G, p.Thr41Ala (NM_001375406.1, NM_001375407.1, NM_153223.4); c.-628A>G (NM_001375408.1); c.-570A>G (NM_001375409.1); short protein forms T41A, T15A.
Identifiers: ClinVar variation 1371167 (VCV001371167.7), dbSNP rs1774507881, ClinGen allele CA360897227.

ClinVar aggregate classification (germline): Uncertain significance. Review status: criteria provided, multiple submitters, no conflicts (2 of 4 stars). 2 submissions from 2 submitters: Uncertain significance (2). Last evaluated 2025-01-27.

Conditions:
Short-rib thoracic dysplasia 13 with or without polydactyly (SRTD13). Identifiers: Orphanet 474, MedGen C4225378, MONDO:0014577, OMIM 616300.

Allele frequency attached by ClinVar (database versions not stated): TOPMed below 0.00001; gnomAD 0.00001; gnomAD exomes 0.00001.
gnomAD v4.1: 6 of 1,612,690 alleles (0.00037%); highest among the groups gnomAD compares: African/African-American, 0.004%; no homozygotes.

Submissions (2):

Labcorp Genetics (formerly Invitae), Labcorp
Classification: Uncertain significance for Short-rib thoracic dysplasia 13 with or without polydactyly. Last evaluated: 2025-01-27. Review status: criteria provided, single submitter. Criteria: Invitae Variant Classification Sherloc (09022015). Collection method: clinical testing. Allele origin: germline.
Comment: This sequence change replaces threonine, which is neutral and polar, with alanine, which is neutral and non-polar, at codon 41 of the CEP120 protein (p.Thr41Ala). This variant is not present in population databases (gnomAD no frequency). This variant has not been reported in the literature in individuals affected with CEP120-related conditions. ClinVar contains an entry for this variant (Variation ID: 1371167). Invitae Evidence Modeling of protein sequence and biophysical properties (such as structural, functional, and spatial information, amino acid conservation, physicochemical variation, residue mobility, and thermodynamic stability) indicates that this missense variant is expected to disrupt CEP120 protein function with a positive predictive value of 80%. In summary, the available evidence is currently insufficient to determine the role of this variant in disease. Therefore, it has been classified as a Variant of Uncertain Significance.

Blueprint Genetics
Classification: Uncertain significance. Last evaluated: 2024-06-26. Review status: criteria provided, single submitter. Criteria: ACMG Guidelines, 2015. Collection method: clinical testing. Allele origin: germline.